The following is an entry in ClinVar:

NM_001080508.3(TBX18):c.575T>C (p.Val192Ala)

Gene: TBX18 (T-box transcription factor 18; minus strand). Cytogenetic location: 6q14.3.
Variant type: single nucleotide variant.
Coding change: c.575T>C on transcript NM_001080508.3 (MANE Select); coding-DNA position 575, T replaced by C.
Protein change: p.Val192Ala; replaces valine 192 with alanine.
Molecular consequence: missense variant.
Genome position (GRCh38, 1-based): chr6:84,760,279, A>G on the plus strand (T>C on the coding strand, the complement: TBX18 is on the minus strand). VCF-style: chr6-84760279-A-G. GRCh37 (hg19) VCF-style: chr6-85469997-A-G.
Other names: short protein forms V192A.
Identifiers: ClinVar variation 3683640 (VCV003683640.2).

ClinVar aggregate classification (germline): Uncertain significance (1 of 4 stars; one submission).

Submission:

Labcorp Genetics (formerly Invitae), Labcorp
Classification: Uncertain significance. Last evaluated: 2025-06-12. Review status: criteria provided, single submitter. Criteria: Invitae Variant Classification Sherloc (09022015). Collection method: clinical testing. Allele origin: germline.
Comment: This sequence change replaces valine, which is neutral and non-polar, with alanine, which is neutral and non-polar, at codon 192 of the TBX18 protein (p.Val192Ala). This variant is present in population databases (no rsID available, gnomAD 0.01%). This variant has not been reported in the literature in individuals affected with TBX18-related conditions. ClinVar contains an entry for this variant (Variation ID: 3683640). Invitae Evidence Modeling of protein sequence and biophysical properties (such as structural, functional, and spatial information, amino acid conservation, physicochemical variation, residue mobility, and thermodynamic stability) indicates that this missense variant is not expected to disrupt TBX18 protein function with a negative predictive value of 80%. In summary, the available evidence is currently insufficient to determine the role of this variant in disease. Therefore, it has been classified as a Variant of Uncertain Significance.